The following is an entry in ClinVar:

ClinVar aggregate classification (germline): Likely benign. Review status: criteria provided, multiple submitters, no conflicts (2 of 4 stars). 3 submissions from 3 submitters: Likely benign (2). 1 of the submissions does not count toward it. Last evaluated 2025-12-18.

Conditions:
PLK4-related disorder. Also called: PLK4-related condition.

Allele frequency attached by ClinVar (database versions not stated): ExAC 0.00008; TOPMed 0.00020; gnomAD 0.00030 and 0.00031.
gnomAD v4.1: 111 of 1,503,494 alleles (0.0074%); highest among the groups gnomAD compares: Admixed American, 0.1%; 1 homozygote.

Submissions (3):

Labcorp Genetics (formerly Invitae), Labcorp
Classification: Likely benign. Last evaluated: 2025-12-18. Review status: criteria provided, single submitter. Criteria: Invitae Variant Classification Sherloc (09022015). Collection method: clinical testing. Allele origin: germline.

Blueprint Genetics
Classification: Likely benign. Last evaluated: 2024-10-15. Review status: criteria provided, single submitter. Criteria: ACMG Guidelines, 2015. Collection method: clinical testing. Allele origin: germline.

PreventionGenetics, part of Exact Sciences
Classification: Likely benign for PLK4-related condition. Last evaluated: 2019-08-01. Review status: no assertion criteria provided. Collection method: clinical testing. Allele origin: germline. Not counted in ClinVar's aggregate classification.
Comment: This variant is classified as likely benign based on ACMG/AMP sequence variant interpretation guidelines (Richards et al. 2015 PMID: 25741868, with internal and published modifications).

NM_014264.5(PLK4):c.1831-9T>G

Gene: PLK4 (polo like kinase 4; plus strand). Cytogenetic location: 4q28.1.
Variant type: single nucleotide variant.
Coding change: c.1831-9T>G on transcript NM_014264.5 (MANE Select); 9 bases into the intron before coding-DNA position 1831, T replaced by G.
Molecular consequence: intron variant.
Genome position (GRCh38, 1-based): chr4:127,891,083, T>G. VCF-style: chr4-127891083-T-G. GRCh37 (hg19) VCF-style: chr4-128812238-T-G.
Other names: c.1735-9T>G (NM_001190799.2); c.1708-9T>G (NM_001190801.2).
Identifiers: ClinVar variation 744615 (VCV000744615.12), dbSNP rs745839971, ClinGen allele CA3076872.